The following is an entry in ClinVar:

ClinVar aggregate classification (germline): Uncertain significance. Review status: criteria provided, multiple submitters, no conflicts (2 of 4 stars). 4 submissions from 4 submitters: Uncertain significance (4). Last evaluated 2025-12-29.

Conditions:
Hereditary cancer-predisposing syndrome. Also called: Tumor predisposition; Hereditary Cancer Syndrome; Neoplastic Syndromes, Hereditary; Hereditary neoplastic syndrome. Identifiers: Orphanet 140162, MedGen C0027672, MeSH D009386, MONDO:0015356.
Melanoma-pancreatic cancer syndrome. Identifiers: Orphanet 404560, MedGen C1838547, MONDO:0011713, OMIM 606719. Disease mechanism: loss of function.
Familial melanoma. Also called: Hereditary melanoma; Hereditary cutaneous melanoma. Identifiers: Orphanet 618, MedGen C1512419, MONDO:0018961.

Allele frequency attached by ClinVar (database versions not stated): gnomAD exomes below 0.00001 and 0.00001; TOPMed below 0.00001; ExAC 0.00001.
gnomAD v4.1: 4 of 1,613,108 alleles (0.00025%); highest among the groups gnomAD compares: Non-Finnish European, 0.00034%; no homozygotes.

Submissions (5):

Center for Genomic Medicine, Rigshospitalet, Copenhagen University Hospital
Classification: Uncertain significance. Last evaluated: 2025-12-29. Review status: criteria provided, single submitter. Criteria: ACMG Guidelines, 2015. Collection method: clinical testing. Allele origin: germline.

Labcorp Genetics (formerly Invitae), Labcorp
Classification: Uncertain significance for Familial melanoma. Last evaluated: 2025-08-06. Review status: criteria provided, single submitter. Criteria: Invitae Variant Classification Sherloc (09022015). Collection method: clinical testing. Allele origin: germline.
Comment: This sequence change replaces glycine, which is neutral and non-polar, with arginine, which is basic and polar, at codon 35 of the CDKN2A (p16INK4a) protein (p.Gly35Arg). This variant is present in population databases (rs757066045, gnomAD 0.0009%). This missense change has been observed in individual(s) with melanoma (PMID: 25803691). ClinVar contains an entry for this variant (Variation ID: 483347). An algorithm developed to predict the effect of missense changes on protein structure and function (PolyPhen-2) suggests that this variant is likely to be disruptive. Experimental studies have shown that this missense change does not substantially affect CDKN2A (p16INK4a) function (PMID: 24659262). In summary, the available evidence is currently insufficient to determine the role of this variant in disease. Therefore, it has been classified as a Variant of Uncertain Significance.

Molecular Pathology, Peter Maccallum Cancer Centre
Classification: Uncertain significance for Melanoma-pancreatic cancer syndrome. Last evaluated: 2025-04-29. Review status: criteria provided, single submitter. Criteria: ACMG Guidelines, 2015. Collection method: clinical testing. Allele origin: germline. Inheritance: Autosomal dominant inheritance.

Ambry Genetics
Classification: Uncertain significance for Hereditary cancer-predisposing syndrome. Last evaluated: 2025-02-25. Review status: criteria provided, single submitter. Criteria: Ambry Variant Classification Scheme 2023. Collection method: clinical testing. Allele origin: germline.
Comment: The p.G35R variant (also known as c.103G>A), located in coding exon 1 of the CDKN2A gene, results from a G to A substitution at nucleotide position 103. The glycine at codon 35 is replaced by arginine, an amino acid with dissimilar properties. This alteration has been reported in multiple unrelated individuals diagnosed with cutaneous melanoma (Wadt KA et al. PLoS ONE, 2015 Mar;10:e0122662; Aoude LG et al. Twin Res Hum Genet, 2015 Apr;18:126-33). A study that compared the proliferation rate of several amino acid substitutions at this codon found that this alteration behaved in a wild type manner (Scaini MC et al. Hum. Mutat., 2014 Jul;35:828-40). This amino acid position is highly conserved in available vertebrate species. In addition, this alteration is predicted to be deleterious by in silico analysis. Since supporting evidence is conflicting at this time, the clinical significance of this alteration remains unclear.

Dr. Peter K. Rogan Lab, Western University
No classification provided (evidence only). Condition: Malignant tumor of esophagus. Review status: no classification provided. Collection method: in vitro. Allele origin: not applicable. Functional consequence: retained intron. Not counted in ClinVar's aggregate classification.

Literature cited by the submitters: PubMed 25803691 (cited by 3 submitters); PubMed 24659262 (cited by 3 submitters); PubMed 25787093 (cited by Ambry Genetics).

NM_000077.5(CDKN2A):c.103G>A (p.Gly35Arg)

Gene: CDKN2A (cyclin dependent kinase inhibitor 2A; minus strand). Cytogenetic location: 9p21.3.
Variant type: single nucleotide variant.
Coding change: c.103G>A on transcript NM_000077.5; coding-DNA position 103, G replaced by A.
Protein change: p.Gly35Arg; replaces glycine 35 with arginine.
Molecular consequence: missense variant (on NM_000077.6). On other transcripts: intron variant (2).
Genome position (GRCh38, 1-based): chr9:21,974,725, C>T on the plus strand (G>A on the coding strand, the complement: CDKN2A is on the minus strand). VCF-style: chr9-21974725-C-T. GRCh37 (hg19) VCF-style: chr9-21974724-C-T.
Other names: c.103G>A, p.Gly35Arg (NM_000077.6, NM_001195132.2, NM_058197.5); c.-3-3517G>A (NM_001363763.2); c.194-3517G>A (NM_058195.4); short protein forms G35R.
Identifiers: ClinVar variation 483347 (VCV000483347.19), dbSNP rs757066045, ClinGen allele CA5012317.
Genomic context (GRCh38, chr9:21,974,725, plus strand): 5'-ACCCTCTACCCACCTGGATCGGCCTCCGACCGTAACTATTCGGTGCGTTGGGCAGCGCCC[C>T]CGCCTCCAGCAGCGCCCGCACCTCCTCTACCCGACCCCGGGCCGCGGCCGTGGCCAGCCA-3'
Protein context (NP_000068.1, residues 25-45): VEEVRALLEA[Gly35Arg]ALPNAPNSYG